The following is an entry in ClinVar:

ClinVar aggregate classification (germline): Uncertain significance (1 of 4 stars; one submission).

Submission:

Labcorp Genetics (formerly Invitae), Labcorp
Classification: Uncertain significance. Last evaluated: 2024-06-21. Review status: criteria provided, single submitter. Criteria: Invitae Variant Classification Sherloc (09022015). Collection method: clinical testing. Allele origin: germline.
Comment: This sequence change replaces aspartic acid, which is acidic and polar, with glycine, which is neutral and non-polar, at codon 327 of the CTNNA1 protein (p.Asp327Gly). This variant is not present in population databases (gnomAD no frequency). This variant has not been reported in the literature in individuals affected with CTNNA1-related conditions. ClinVar contains an entry for this variant (Variation ID: 1721857). Advanced modeling of protein sequence and biophysical properties (such as structural, functional, and spatial information, amino acid conservation, physicochemical variation, residue mobility, and thermodynamic stability) has been performed at Invitae for this missense variant, however the output from this modeling did not meet the statistical confidence thresholds required to predict the impact of this variant on CTNNA1 protein function. In summary, the available evidence is currently insufficient to determine the role of this variant in disease. Therefore, it has been classified as a Variant of Uncertain Significance.

NM_001903.5(CTNNA1):c.980A>G (p.Asp327Gly)

Gene: CTNNA1 (catenin alpha 1; plus strand). Cytogenetic location: 5q31.2.
Variant type: single nucleotide variant.
Coding change: c.980A>G on transcript NM_001903.5 (MANE Select); coding-DNA position 980, A replaced by G.
Protein change: p.Asp327Gly; replaces aspartic acid 327 with glycine.
Molecular consequence: missense variant.
Genome position (GRCh38, 1-based): chr5:138,827,636, A>G. VCF-style: chr5-138827636-A-G. GRCh37 (hg19) VCF-style: chr5-138163325-A-G.
Other names: c.980A>G, p.Asp327Gly (NM_001290307.3, NM_001323982.2, NM_001323983.1 and 3 more transcripts); c.671A>G, p.Asp224Gly (NM_001290309.3); c.611A>G, p.Asp204Gly (NM_001290310.3); short protein forms D204G, D224G, D327G.
Identifiers: ClinVar variation 1721857 (VCV001721857.5), dbSNP rs2532447388, ClinGen allele CA361131054.